The following is an entry in ClinVar:

NM_004370.6(COL12A1):c.5905T>C (p.Ser1969Pro)

Gene: COL12A1 (collagen type XII alpha 1 chain; minus strand). Cytogenetic location: 6q13.
Variant type: single nucleotide variant.
Coding change: c.5905T>C on transcript NM_004370.6 (MANE Select); coding-DNA position 5905, T replaced by C.
Protein change: p.Ser1969Pro; replaces serine 1969 with proline.
Molecular consequence: missense variant.
Genome position (GRCh38, 1-based): chr6:75,131,972, A>G on the plus strand (T>C on the coding strand, the complement: COL12A1 is on the minus strand). VCF-style: chr6-75131972-A-G. GRCh37 (hg19) VCF-style: chr6-75841688-A-G.
Other names: c.2413T>C, p.Ser805Pro (NM_080645.3); short protein forms S1969P, S805P.
Identifiers: ClinVar variation 1438367 (VCV001438367.6), dbSNP rs2149385256, ClinGen allele CA364732766.

ClinVar aggregate classification (germline): Uncertain significance (1 of 4 stars; one submission).

Conditions:
Ullrich congenital muscular dystrophy 2 (UCMD2). Identifiers: Orphanet 75840, MedGen C4225314, MONDO:0014654, OMIM 616470.
Bethlem myopathy 2 (BTHLM2). Identifiers: Orphanet 536516, Orphanet 610, MedGen C4225313, MONDO:0034022, OMIM 616471.

Submission:

Labcorp Genetics (formerly Invitae), Labcorp
Classification: Uncertain significance for Bethlem myopathy 2; Ullrich congenital muscular dystrophy 2. Last evaluated: 2021-09-22. Review status: criteria provided, single submitter. Criteria: Invitae Variant Classification Sherloc (09022015). Collection method: clinical testing. Allele origin: germline.
Comment: This sequence change replaces serine with proline at codon 1969 of the COL12A1 protein (p.Ser1969Pro). The serine residue is moderately conserved and there is a moderate physicochemical difference between serine and proline. This variant is not present in population databases (ExAC no frequency). This variant has not been reported in the literature in individuals affected with COL12A1-related conditions. Algorithms developed to predict the effect of missense changes on protein structure and function are either unavailable or do not agree on the potential impact of this missense change (SIFT: "Deleterious"; PolyPhen-2: "Benign"; Align-GVGD: "Class C0"). In summary, the available evidence is currently insufficient to determine the role of this variant in disease. Therefore, it has been classified as a Variant of Uncertain Significance.